The following is an entry in ClinVar:

ClinVar aggregate classification (germline): Uncertain significance (1 of 4 stars; one submission).

Conditions:
Familial hemophagocytic lymphohistiocytosis 5. Also called: STXBP2-Related Familial Hemophagocytic Lymphohistiocytosis (STXBP2-fHLH). Identifiers: Orphanet 540, MedGen C2751293, MONDO:0013135, OMIM 613101.

gnomAD v4.1: 1 of 1,613,934 alleles (0.000062%); no homozygotes.

Submission:

3billion
Classification: Uncertain significance for Familial hemophagocytic lymphohistiocytosis 5. Last evaluated: 2024-07-30. Review status: criteria provided, single submitter. Criteria: ACMG Guidelines, 2015. Collection method: clinical testing. Allele origin: germline. Affected: yes.
Comment: The variant is observed at an extremely low frequency in the gnomAD v4.0.0 dataset (total allele frequency: <0.001%). Predicted Consequence/Location: Missense variant In silico tool predictions suggest damaging effect of the variant on gene or gene product [REVEL: 0.74 (>=0.6, sensitivity 0.68 and specificity 0.92); 3Cnet: 0.96 (>=0.6, sensitivity 0.72 and precision 0.9)]. The same nucleotide change resulting in the same amino acid change has been previously reported to be associated with STXBP2 related disorder (PMID: 32542393). However, the evidence of pathogenicity is insufficient at this time. Therefore, this variant is classified as VUS according to the recommendation of ACMG/AMP guideline.

Literature cited by the submitters: PubMed 32542393.

NM_006949.4(STXBP2):c.1057T>C (p.Cys353Arg)

Gene: STXBP2 (syntaxin binding protein 2; plus strand). Cytogenetic location: 19p13.2.
Variant type: single nucleotide variant.
Coding change: c.1057T>C on transcript NM_006949.4 (MANE Select); coding-DNA position 1057, T replaced by C.
Protein change: p.Cys353Arg; replaces cysteine 353 with arginine.
Molecular consequence: missense variant.
Genome position (GRCh38, 1-based): chr19:7,643,195, T>C. VCF-style: chr19-7643195-T-C. GRCh37 (hg19) VCF-style: chr19-7708081-T-C.
Other names: c.1048T>C, p.Cys350Arg (NM_001127396.3); c.1090T>C, p.Cys364Arg (NM_001272034.2); c.961T>C, p.Cys321Arg (NM_001414484.1); short protein forms C321R, C350R, C353R, C364R.
Identifiers: ClinVar variation 4293134 (VCV004293134.1).
Genomic context (GRCh38, chr19:7,643,195, plus strand): 5'-ATCCCCCAACCCCCACCCTGCACCCTGCAGTATTCTACGCACCTGCATCTAGCAGATGAT[T>C]GTATGAAGCACTTCAAGGGCTCGGTGGAGAAGCTGTGTAGTGTGGAGCAGGTGGGGCAGG-3'
Protein context (NP_008880.2, residues 343-363): YSTHLHLADD[Cys353Arg]MKHFKGSVEK